The following is an entry in ClinVar:

NM_001909.5(CTSD):c.552G>A (p.Lys184=)

Gene: CTSD (cathepsin D; minus strand). Cytogenetic location: 11p15.5.
Variant type: single nucleotide variant.
Coding change: c.552G>A on transcript NM_001909.5 (MANE Select); coding-DNA position 552, G replaced by A.
Protein change: p.Lys184=; no amino-acid change (lysine 184 retained).
Molecular consequence: synonymous variant.
Genome position (GRCh38, 1-based): chr11:1,757,476, C>T on the plus strand (G>A on the coding strand, the complement: CTSD is on the minus strand). VCF-style: chr11-1757476-C-T. GRCh37 (hg19) VCF-style: chr11-1778706-C-T.
Identifiers: ClinVar variation 381790 (VCV000381790.4), dbSNP rs765849046, ClinGen allele CA5814139.
Genomic context (GRCh38, chr11:1,757,476, plus strand): 5'-GGGGTAGGCCATGCCCAGGATGCCATCGAACTTGGCTGCGATGAAGGTGATGCCTGGCTG[C>T]TTGGTGGCCTCCCCAAAGACCTGCCTCTCCACTTTGACACCGCCCAGGGCAGAGGCTGAC-3'
Protein context (NP_001900.1, residues 174-194): VERQVFGEAT[Lys184=]QPGITFIAAK

ClinVar aggregate classification (germline): Likely benign. Review status: criteria provided, multiple submitters, no conflicts (2 of 4 stars). 2 submissions from 2 submitters: Likely benign (2). Last evaluated 2025-08-11.

Conditions:
Neuronal ceroid lipofuscinosis. Also called: Neuronal Ceroid Lipofuscinoses. Identifiers: Orphanet 216, Orphanet 79263, MedGen C0027877, MONDO:0016295. Disease mechanism: loss of function.

Allele frequency attached by ClinVar (database versions not stated): ExAC 0.00001; gnomAD 0.00001; gnomAD exomes 0.00001.
gnomAD v4.1: 4 of 1,613,870 alleles (0.00025%); highest among the groups gnomAD compares: Admixed American, 0.0067%; no homozygotes.

Submissions (2):

Labcorp Genetics (formerly Invitae), Labcorp
Classification: Likely benign for Neuronal ceroid lipofuscinosis. Last evaluated: 2025-08-11. Review status: criteria provided, single submitter. Criteria: Invitae Variant Classification Sherloc (09022015). Collection method: clinical testing. Allele origin: germline.

GeneDx
Classification: Likely benign. Last evaluated: 2015-11-19. Review status: criteria provided, single submitter. Criteria: GeneDx Variant Classification (06012015). Collection method: clinical testing. Allele origin: germline. Affected: yes.
Comment: This variant is considered likely benign or benign based on one or more of the following criteria: it is a conservative change, it occurs at a poorly conserved position in the protein, it is predicted to be benign by multiple in silico algorithms, and/or has population frequency not consistent with disease.